The following is an entry in ClinVar:

ClinVar aggregate classification (germline): Uncertain significance (1 of 4 stars; one submission).

Conditions:
Hereditary cancer-predisposing syndrome. Also called: Neoplastic Syndromes, Hereditary; Tumor predisposition; Hereditary Cancer Syndrome; Hereditary neoplastic syndrome. Identifiers: Orphanet 140162, MedGen C0027672, MeSH D009386, MONDO:0015356.

Submission:

Ambry Genetics
Classification: Uncertain significance for Hereditary cancer-predisposing syndrome. Last evaluated: 2020-08-31. Review status: criteria provided, single submitter. Criteria: Ambry Variant Classification Scheme 2023. Collection method: clinical testing. Allele origin: germline.
Comment: The p.I420M variant (also known as c.1260A>G), located in coding exon 9 of the ATM gene, results from an A to G substitution at nucleotide position 1260. The isoleucine at codon 420 is replaced by methionine, an amino acid with highly similar properties. This amino acid position is not well conserved in available vertebrate species. In addition, this alteration is predicted to be tolerated by in silico analysis. Since supporting evidence is limited at this time, the clinical significance of this alteration remains unclear.

NM_000051.4(ATM):c.1260A>G (p.Ile420Met)

Gene: ATM (ATM serine/threonine kinase; plus strand). Cytogenetic location: 11q22.3.
Variant type: single nucleotide variant.
Coding change: c.1260A>G on transcript NM_000051.4 (MANE Select); coding-DNA position 1260, A replaced by G.
Protein change: p.Ile420Met; replaces isoleucine 420 with methionine.
Molecular consequence: missense variant.
Genome position (GRCh38, 1-based): chr11:108,250,725, A>G. VCF-style: chr11-108250725-A-G. GRCh37 (hg19) VCF-style: chr11-108121452-A-G.
Other names: c.1260A>G, p.Ile420Met (NM_001351834.2); short protein forms I420M.
Identifiers: ClinVar variation 1762937 (VCV001762937.2), dbSNP rs750468699, ClinGen allele CA382533323.